The following is an entry in ClinVar:

ClinVar aggregate classification (germline): Pathogenic (1 of 4 stars; one submission).

Conditions:
Neuronal ceroid lipofuscinosis. Also called: Neuronal Ceroid Lipofuscinoses. Identifiers: Orphanet 216, Orphanet 79263, MedGen C0027877, MONDO:0016295. Disease mechanism: loss of function.

Submission:

Labcorp Genetics (formerly Invitae), Labcorp
Classification: Pathogenic for Neuronal ceroid lipofuscinosis. Last evaluated: 2023-07-19. Review status: criteria provided, single submitter. Criteria: Invitae Variant Classification Sherloc (09022015). Collection method: clinical testing. Allele origin: germline.
Comment: This sequence change creates a premature translational stop signal (p.Gln44*) in the CLN8 gene. It is expected to result in an absent or disrupted protein product. Loss-of-function variants in CLN8 are known to be pathogenic (PMID: 15024724). This variant is not present in population databases (gnomAD no frequency). This variant has not been reported in the literature in individuals affected with CLN8-related conditions. ClinVar contains an entry for this variant (Variation ID: 1069263). For these reasons, this variant has been classified as Pathogenic.

Literature cited by the submitters: PubMed 15024724.

NM_018941.4(CLN8):c.130C>T (p.Gln44Ter)

Gene: CLN8 (CLN8 transmembrane ER and ERGIC protein; plus strand). Cytogenetic location: 8p23.3.
Variant type: single nucleotide variant.
Coding change: c.130C>T on transcript NM_018941.4 (MANE Select); coding-DNA position 130, C replaced by T.
Protein change: p.Gln44Ter; replaces glutamine 44 with a stop codon.
Molecular consequence: nonsense.
Genome position (GRCh38, 1-based): chr8:1,771,184, C>T. VCF-style: chr8-1771184-C-T. GRCh37 (hg19) VCF-style: chr8-1719350-C-T.
Other names: short protein forms Q44*.
Identifiers: ClinVar variation 1069263 (VCV001069263.5), dbSNP rs2130990747, ClinGen allele CA369952934.